The following is an entry in ClinVar:

NM_002661.5(PLCG2):c.3088C>A (p.Leu1030Ile)

Gene: PLCG2 (phospholipase C gamma 2; plus strand). Cytogenetic location: 16q23.3.
Variant type: single nucleotide variant.
Coding change: c.3088C>A on transcript NM_002661.5 (MANE Select); coding-DNA position 3088, C replaced by A.
Protein change: p.Leu1030Ile; replaces leucine 1030 with isoleucine.
Molecular consequence: missense variant.
Genome position (GRCh38, 1-based): chr16:81,937,793, C>A. VCF-style: chr16-81937793-C-A. GRCh37 (hg19) VCF-style: chr16-81971398-C-A.
Other names: short protein forms L1030I.
Identifiers: ClinVar variation 2092760 (VCV002092760.4), dbSNP rs1910776008, ClinGen allele CA396906692.

ClinVar aggregate classification (germline): Uncertain significance (1 of 4 stars; one submission).

Conditions:
Familial cold autoinflammatory syndrome 3 (FCAS3). Also called: ANTIBODY DEFICIENCY AND IMMUNE DYSREGULATION, PLCG2-ASSOCIATED; FAMILIAL ATYPICAL COLD URTICARIA. Identifiers: Orphanet 300359, MedGen C3280914, MONDO:0013766, OMIM 614468.

Allele frequency attached by ClinVar (database versions not stated): gnomAD exomes 0.00002.
gnomAD v4.1: 11 of 1,614,040 alleles (0.00068%); highest among the groups gnomAD compares: East Asian, 0.025%; no homozygotes.

Submission:

Labcorp Genetics (formerly Invitae), Labcorp
Classification: Uncertain significance for Familial cold autoinflammatory syndrome 3. Last evaluated: 2023-04-17. Review status: criteria provided, single submitter. Criteria: Invitae Variant Classification Sherloc (09022015). Collection method: clinical testing. Allele origin: germline.
Comment: This variant has not been reported in the literature in individuals affected with PLCG2-related conditions. This sequence change replaces leucine, which is neutral and non-polar, with isoleucine, which is neutral and non-polar, at codon 1030 of the PLCG2 protein (p.Leu1030Ile). This variant is not present in population databases (gnomAD no frequency). ClinVar contains an entry for this variant (Variation ID: 2092760). An algorithm developed to predict the effect of missense changes on protein structure and function (PolyPhen-2) suggests that this variant is likely to be tolerated. Algorithms developed to predict the effect of sequence changes on RNA splicing suggest that this variant may disrupt the consensus splice site. In summary, the available evidence is currently insufficient to determine the role of this variant in disease. Therefore, it has been classified as a Variant of Uncertain Significance.